The following is an entry in ClinVar:

ClinVar aggregate classification (germline): Likely benign (1 of 4 stars; one submission).

Submission:

CeGaT Center for Human Genetics Tuebingen
Classification: Likely benign. Last evaluated: 2025-08-01. Review status: criteria provided, single submitter. Criteria: CeGaT Center For Human Genetics Tuebingen Variant Classification Criteria Version 2. Collection method: clinical testing. Allele origin: germline. Affected: yes. Observed: 3 variant alleles.
Comment: RRBP1: BP4, BP7

NM_001365613.2(RRBP1):c.1041T>C (p.Asn347=)

Gene: RRBP1 (ribosome binding protein 1; minus strand). Cytogenetic location: 20p12.1.
Variant type: single nucleotide variant.
Coding change: c.1041T>C on transcript NM_001365613.2 (MANE Select); coding-DNA position 1041, T replaced by C.
Protein change: p.Asn347=; no amino-acid change (asparagine 347 retained).
Molecular consequence: synonymous variant. On other transcripts: intron variant (2).
Genome position (GRCh38, 1-based): chr20:17,659,467, A>G on the plus strand (T>C on the coding strand, the complement: RRBP1 is on the minus strand). VCF-style: chr20-17659467-A-G. GRCh37 (hg19) VCF-style: chr20-17640112-A-G.
Other names: c.528+513T>C (NM_004587.3, NM_001042576.2).
Identifiers: ClinVar variation 3234150 (VCV003234150.20), dbSNP rs111375306, ClinGen allele CA312257630.
Genomic context (GRCh38, chr20:17,659,467, plus strand): 5'-ATTCTGGGCCCCCTCGGCCTTCTTGCCCTGATTCTGGGCCCCCTCGGCCTTCTTGCCCTG[A>G]TTCTGGGCCCCCTCGGCCTTCTTGCCCTGATTCTGGGCCCCCTCGGCCTTCTTGCCCTGG-3'
Protein context (NP_001352542.1, residues 337-357): NQGKKAEGAQ[Asn347=]QGKKAEGAQN